The following is an entry in ClinVar:

NM_013262.4(MYLIP):c.542C>T (p.Ala181Val)

Gene: MYLIP (myosin regulatory light chain interacting protein; plus strand). Cytogenetic location: 6p22.3.
Variant type: single nucleotide variant.
Coding change: c.542C>T on transcript NM_013262.4 (MANE Select); coding-DNA position 542, C replaced by T.
Protein change: p.Ala181Val; replaces alanine 181 with valine.
Molecular consequence: missense variant.
Genome position (GRCh38, 1-based): chr6:16,143,097, C>T. VCF-style: chr6-16143097-C-T. GRCh37 (hg19) VCF-style: chr6-16143328-C-T.
Other names: short protein forms A181V.
Identifiers: ClinVar variation 2696994 (VCV002696994.3), dbSNP rs2532238551, ClinGen allele CA362795687.

ClinVar aggregate classification (germline): Uncertain significance (1 of 4 stars; one submission).

Submission:

Labcorp Genetics (formerly Invitae), Labcorp
Classification: Uncertain significance. Last evaluated: 2025-04-14. Review status: criteria provided, single submitter. Criteria: Invitae Variant Classification Sherloc (09022015). Collection method: clinical testing. Allele origin: germline.
Comment: This sequence change replaces alanine, which is neutral and non-polar, with valine, which is neutral and non-polar, at codon 181 of the MYLIP protein (p.Ala181Val). This variant is not present in population databases (gnomAD no frequency). This variant has not been reported in the literature in individuals affected with MYLIP-related conditions. ClinVar contains an entry for this variant (Variation ID: 2696994). An algorithm developed to predict the effect of missense changes on protein structure and function (PolyPhen-2) suggests that this variant is likely to be tolerated. In summary, the available evidence is currently insufficient to determine the role of this variant in disease. Therefore, it has been classified as a Variant of Uncertain Significance.